The following is an entry in ClinVar:

ClinVar aggregate classification (germline): Uncertain significance (1 of 4 stars; one submission).

gnomAD v4.1: 7 of 1,613,912 alleles (0.00043%); highest among the groups gnomAD compares: East Asian, 0.016%; no homozygotes.

Submission:

Labcorp Genetics (formerly Invitae), Labcorp
Classification: Uncertain significance. Last evaluated: 2024-12-07. Review status: criteria provided, single submitter. Criteria: Invitae Variant Classification Sherloc (09022015). Collection method: clinical testing. Allele origin: germline.
Comment: This sequence change falls in intron 11 of the NSUN2 gene. It does not directly change the encoded amino acid sequence of the NSUN2 protein. It affects a nucleotide within the consensus splice site. This variant is present in population databases (rs555232181, gnomAD 0.03%). This variant has not been reported in the literature in individuals affected with NSUN2-related conditions. Variants that disrupt the consensus splice site are a relatively common cause of aberrant splicing (PMID: 17576681, 9536098). Algorithms developed to predict the effect of sequence changes on RNA splicing suggest that this variant is not likely to affect RNA splicing. In summary, the available evidence is currently insufficient to determine the role of this variant in disease. Therefore, it has been classified as a Variant of Uncertain Significance.

Literature cited by the submitters: PubMed 17576681; PubMed 9536098.

NM_017755.6(NSUN2):c.1226+6C>G

Gene: NSUN2 (NOP2/Sun RNA methyltransferase 2; minus strand). Cytogenetic location: 5p15.31.
Variant type: single nucleotide variant.
Coding change: c.1226+6C>G on transcript NM_017755.6 (MANE Select); 6 bases into the intron after coding-DNA position 1226, C replaced by G.
Molecular consequence: intron variant.
Genome position (GRCh38, 1-based): chr5:6,610,949, G>C on the plus strand (C>G on the coding strand, the complement: NSUN2 is on the minus strand). VCF-style: chr5-6610949-G-C. GRCh37 (hg19) VCF-style: chr5-6611062-G-C.
Other names: c.1121+6C>G (NM_001193455.2).
Identifiers: ClinVar variation 3617457 (VCV003617457.2).